The following is an entry in ClinVar:

ClinVar aggregate classification (germline): Benign/Likely benign. Review status: criteria provided, multiple submitters, no conflicts (2 of 4 stars). 3 submissions from 3 submitters: Benign (1); Likely benign (2). Last evaluated 2026-01-28.

Conditions:
Glycogen storage disease IXb (GSD9B). Also called: GLYCOGENOSIS OF LIVER AND MUSCLE, AUTOSOMAL RECESSIVE; GSD IXb; PHOSPHORYLASE KINASE DEFICIENCY OF LIVER AND MUSCLE, AUTOSOMAL RECESSIVE. Identifiers: Orphanet 79240, MedGen C0543514, MONDO:0009868, OMIM 261750.

Allele frequency attached by ClinVar (database versions not stated): gnomAD 0.00001 and 0.00022; TOPMed 0.00003; gnomAD exomes 0.00038 and 0.00067; ExAC 0.00084; 1000 Genomes Project 0.00100; 1000 Genomes Project 30x 0.00109.
gnomAD v4.1: 517 of 1,427,708 alleles (0.036%); highest among the groups gnomAD compares: South Asian, 0.58%; 8 homozygotes.

Submissions (3):

Labcorp Genetics (formerly Invitae), Labcorp
Classification: Benign for Glycogen storage disease IXb. Last evaluated: 2026-01-28. Review status: criteria provided, single submitter. Criteria: Invitae Variant Classification Sherloc (09022015). Collection method: clinical testing. Allele origin: germline.

Blueprint Genetics
Classification: Likely benign. Last evaluated: 2024-10-21. Review status: criteria provided, single submitter. Criteria: ACMG Guidelines, 2015. Collection method: clinical testing. Allele origin: germline.

Illumina Laboratory Services, Illumina
Classification: Likely benign for Glycogen storage disease IXb. Last evaluated: 2018-01-13. Review status: criteria provided, single submitter. Criteria: ICSL Variant Classification Criteria 13 December 2019. Collection method: clinical testing. Allele origin: germline.
Comment: This variant was observed in the ICSL laboratory as part of a predisposition screen in an ostensibly healthy population. It had not been previously curated by ICSL or reported in the Human Gene Mutation Database (HGMD: prior to June 1st, 2018), and was therefore a candidate for classification through an automated scoring system. Utilizing variant allele frequency, disease prevalence and penetrance estimates, and inheritance mode, an automated score was calculated to assess if this variant is too frequent to cause the disease. Based on the score and internal cut-off values, a variant classified as likely benign is not then subjected to further curation. The score for this variant resulted in a classification of likely benign for this disease.

NM_000293.3(PHKB):c.710+12A>C

Gene: PHKB (phosphorylase kinase regulatory subunit beta; plus strand). Cytogenetic location: 16q12.1.
Variant type: single nucleotide variant.
Coding change: c.710+12A>C on transcript NM_000293.3 (MANE Select); 12 bases into the intron after coding-DNA position 710, A replaced by C.
Molecular consequence: intron variant.
Genome position (GRCh38, 1-based): chr16:47,547,560, A>C. VCF-style: chr16-47547560-A-C. GRCh37 (hg19) VCF-style: chr16-47581471-A-C.
Other names: c.710+12A>C (NM_001363837.1); c.689+12A>C (NM_001031835.3).
Identifiers: ClinVar variation 885767 (VCV000885767.9), dbSNP rs542318460, ClinGen allele CA8040573.